The following is an entry in ClinVar:

NM_002900.3(RBP3):c.934G>A (p.Ala312Thr)

Gene: RBP3 (retinol binding protein 3; plus strand). Cytogenetic location: 10q11.22.
Variant type: single nucleotide variant.
Coding change: c.934G>A on transcript NM_002900.3 (MANE Select); coding-DNA position 934, G replaced by A.
Protein change: p.Ala312Thr; replaces alanine 312 with threonine.
Molecular consequence: missense variant.
Genome position (GRCh38, 1-based): chr10:47,349,418, G>A. VCF-style: chr10-47349418-G-A. GRCh37 (hg19) VCF-style: chr10-48389944-C-T.
Other names: short protein forms A312T.
Identifiers: ClinVar variation 878800 (VCV000878800.11), dbSNP rs1020582345, ClinGen allele CA206461064.

ClinVar aggregate classification (germline): Uncertain significance. Review status: criteria provided, multiple submitters, no conflicts (2 of 4 stars). 2 submissions from 2 submitters: Uncertain significance (2). Last evaluated 2024-10-25.

Conditions:
Retinitis pigmentosa (RP). Identifiers: Orphanet 791, MedGen C0035334, MeSH D012174, MONDO:0019200, OMIM 268000. Inheritance: Autosomal dominant, autosomal recessive and X linked inheritance.

Allele frequency attached by ClinVar (database versions not stated): gnomAD exomes below 0.00001 and 0.00002; gnomAD 0.00001; TOPMed 0.00001.
gnomAD v4.1: 28 of 1,611,896 alleles (0.0017%); highest among the groups gnomAD compares: Non-Finnish European, 0.0019%; no homozygotes.

Submissions (2):

Labcorp Genetics (formerly Invitae), Labcorp
Classification: Uncertain significance. Last evaluated: 2024-10-25. Review status: criteria provided, single submitter. Criteria: Invitae Variant Classification Sherloc (09022015). Collection method: clinical testing. Allele origin: germline.
Comment: This sequence change replaces alanine, which is neutral and non-polar, with threonine, which is neutral and polar, at codon 312 of the RBP3 protein (p.Ala312Thr). This variant is present in population databases (no rsID available, gnomAD 0.003%). This variant has not been reported in the literature in individuals affected with RBP3-related conditions. ClinVar contains an entry for this variant (Variation ID: 878800). Invitae Evidence Modeling of protein sequence and biophysical properties (such as structural, functional, and spatial information, amino acid conservation, physicochemical variation, residue mobility, and thermodynamic stability) indicates that this missense variant is not expected to disrupt RBP3 protein function with a negative predictive value of 80%. In summary, the available evidence is currently insufficient to determine the role of this variant in disease. Therefore, it has been classified as a Variant of Uncertain Significance.

Illumina Laboratory Services, Illumina
Classification: Uncertain significance for Retinitis pigmentosa. Last evaluated: 2018-01-17. Review status: criteria provided, single submitter. Criteria: ICSL Variant Classification Criteria 13 December 2019. Collection method: clinical testing. Allele origin: germline.